The following is an entry in ClinVar:

GRCh37/hg19 15q11.2(chr15:22770421-23283811)x1

Genes: CYFIP1 (cytoplasmic FMR1 interacting protein 1; minus strand), NIPA1 (NIPA magnesium transporter 1; plus strand), NIPA2 (NIPA magnesium transporter 2; plus strand), TUBGCP5 (tubulin gamma complex component 5; minus strand). Cytogenetic location: 15q11.2.
Variant type: copy number loss.
Change: copy number 1 (one copy instead of two) of chr15:22,770,421-23,283,811 (513.4 kb, GRCh37 coordinates, 1-based), cytogenetic band 15q11.2.
Identifiers: ClinVar variation 442913 (VCV000442913.2).

ClinVar aggregate classification (germline): conflicting data from submitters (0 of 4 stars; one submission).

Submission:

ISCA site 1
Classification: conflicting data from submitters. Last evaluated: 2014-12-02. Review status: no assertion criteria provided. Collection method: clinical testing. Allele origin: unknown, paternal, maternal. Affected: yes. Observed: 3 variant alleles. Clinical features observed: Developmental delay AND/OR other significant developmental or morphological phenotypes, Global developmental delay (HP:0001263), Autistic behavior (HP:0000729).
Comment: Uncertain significance(2), Likely benign (1)

Copy number variation identified through the course of routine clinical cytogenomic testing in postnatal populations, with clinical assertions as classified by the original submitter. For data from the original published study, Kaminsky, et al. 2011 (PubMed 21844811), please see nstd101.